The following is an entry in ClinVar:

NM_002430.3(MN1):c.482G>A (p.Gly161Glu)

Gene: MN1 (MN1 proto-oncogene, transcriptional regulator; minus strand). Cytogenetic location: 22q12.1.
Variant type: single nucleotide variant.
Coding change: c.482G>A on transcript NM_002430.3 (MANE Select); coding-DNA position 482, G replaced by A.
Protein change: p.Gly161Glu; replaces glycine 161 with glutamic acid.
Molecular consequence: missense variant.
Genome position (GRCh38, 1-based): chr22:27,800,062, C>T on the plus strand (G>A on the coding strand, the complement: MN1 is on the minus strand). VCF-style: chr22-27800062-C-T. GRCh37 (hg19) VCF-style: chr22-28196050-C-T.
Other names: short protein forms G161E.
Identifiers: ClinVar variation 4529803 (VCV004529803.1).

ClinVar aggregate classification (germline): Uncertain significance (1 of 4 stars; one submission).

Submission:

GeneDx
Classification: Uncertain significance. Last evaluated: 2025-05-11. Review status: criteria provided, single submitter. Criteria: GeneDx Variant Classification Process June 2021. Collection method: clinical testing. Allele origin: germline. Affected: yes.
Comment: Not observed at significant frequency in large population cohorts (gnomAD); In silico analysis supports that this missense variant has a deleterious effect on protein structure/function; Has not been previously published as pathogenic or benign to our knowledge